The following is an entry in ClinVar:

NM_017950.4(CCDC40):c.2832+369C>T

Gene: CCDC40 (coiled-coil domain 40 molecular ruler complex subunit; plus strand). Cytogenetic location: 17q25.3.
Variant type: single nucleotide variant.
Coding change: c.2832+369C>T on transcript NM_017950.4 (MANE Select); 369 bases into the intron after coding-DNA position 2832, C replaced by T.
Molecular consequence: intron variant. On other transcripts: missense variant (1).
Genome position (GRCh38, 1-based): chr17:80,090,253, C>T. VCF-style: chr17-80090253-C-T. GRCh37 (hg19) VCF-style: chr17-78064052-C-T.
Other names: c.2947C>T, p.Arg983Trp (NM_001243342.2); short protein forms R983W.
Identifiers: ClinVar variation 4872356 (VCV004872356.2).

ClinVar aggregate classification (germline): Benign (1 of 4 stars; one submission).

gnomAD v4.1: 875 of 949,856 alleles (0.092%); highest among the groups gnomAD compares: African/African-American, 1.4%; 18 homozygotes.

Submission:

CeGaT Center for Human Genetics Tuebingen
Classification: Benign. Last evaluated: 2026-04-01. Review status: criteria provided, single submitter. Criteria: CeGaT Center For Human Genetics Tuebingen Variant Classification Criteria Version 2. Collection method: clinical testing. Allele origin: germline. Affected: yes. Observed: 1 variant allele.
Comment: CCDC40: BP4, BS1, BS2